The following is an entry in ClinVar:

ClinVar aggregate classification (germline): Benign/Likely benign. Review status: criteria provided, multiple submitters, no conflicts (2 of 4 stars). 7 submissions from 7 submitters: Benign (1); Likely benign (5). 1 of the submissions does not count toward it. Last evaluated 2026-07-09.

Conditions:
Intellectual disability, autosomal dominant 16 (CSS4). Also called: COFFIN-SIRIS SYNDROME 4. Identifiers: Orphanet 1465, MedGen C3553249, MONDO:0013821, OMIM 614609.
Rhabdoid tumor predisposition syndrome 2 (RTPS2). Identifiers: Orphanet 231108, Orphanet 69077, MedGen C2750074, MONDO:0013224, OMIM 613325.
Otosclerosis 12. Identifiers: MedGen C5935610, MONDO:0968980, OMIM 620792.
SMARCA4-related disorder. Also called: SMARCA4-related condition.
Hereditary cancer-predisposing syndrome. Also called: Hereditary Cancer Syndrome; Tumor predisposition; Hereditary neoplastic syndrome; Neoplastic Syndromes, Hereditary. Identifiers: Orphanet 140162, MedGen C0027672, MeSH D009386, MONDO:0015356.

Allele frequency attached by ClinVar (database versions not stated): 1000 Genomes Project 0.00020; gnomAD exomes 0.00008 and 0.00019; TOPMed 0.00008; 1000 Genomes Project 30x 0.00016; gnomAD 0.00009; ExAC 0.00012.
gnomAD v4.1: 286 of 1,598,318 alleles (0.018%); highest among the groups gnomAD compares: Non-Finnish European, 0.023%; no homozygotes.

Submissions (7):

Myriad Genetics, Inc.
Classification: Benign for Rhabdoid tumor predisposition syndrome 2. Last evaluated: 2026-07-09. Review status: criteria provided, single submitter. Criteria: Myriad Autosomal Dominant, Autosomal Recessive and X-Linked Classification Criteria (2023). Collection method: clinical testing. Allele origin: unknown.
Comment: This variant is considered benign. This variant is a silent/synonymous amino acid change and it is not expected to impact splicing.

Labcorp Genetics (formerly Invitae), Labcorp
Classification: Likely benign for Rhabdoid tumor predisposition syndrome 2. Last evaluated: 2026-02-03. Review status: criteria provided, single submitter. Criteria: Invitae Variant Classification Sherloc (09022015). Collection method: clinical testing. Allele origin: germline.

Department of Pathology and Laboratory Medicine, Sinai Health System
Classification: Likely benign for Rhabdoid tumor predisposition syndrome 2; Intellectual disability, autosomal dominant 16; Otosclerosis 12. Last evaluated: 2025-02-04. Review status: criteria provided, single submitter. Criteria: ACMG Guidelines, 2015. Collection method: clinical testing. Allele origin: germline.

Sema4
Classification: Likely benign for Hereditary cancer-predisposing syndrome. Last evaluated: 2022-02-27. Review status: criteria provided, single submitter. Criteria: Sema4 Curation Guidelines. Collection method: curation. Allele origin: germline.

Genetic Services Laboratory, University of Chicago
Classification: Likely benign. Last evaluated: 2021-11-29. Review status: criteria provided, single submitter. Criteria: ACMG Guidelines, 2015. Collection method: clinical testing. Allele origin: germline. Affected: no.

Ambry Genetics
Classification: Likely benign for Hereditary cancer-predisposing syndrome. Last evaluated: 2015-09-06. Review status: criteria provided, single submitter. Criteria: Ambry Variant Classification Scheme 2023. Collection method: clinical testing. Allele origin: germline.

PreventionGenetics, part of Exact Sciences
Classification: Likely benign for SMARCA4-related condition. Last evaluated: 2023-07-20. Review status: no assertion criteria provided. Collection method: clinical testing. Allele origin: germline. Not counted in ClinVar's aggregate classification.
Comment: This variant is classified as likely benign based on ACMG/AMP sequence variant interpretation guidelines (Richards et al. 2015 PMID: 25741868, with internal and published modifications).

NM_003072.5(SMARCA4):c.960C>T (p.Pro320=)

Gene: SMARCA4 (SWI/SNF related BAF chromatin remodeling complex subunit ATPase 4; plus strand). Cytogenetic location: 19p13.2.
Variant type: single nucleotide variant.
Coding change: c.960C>T on transcript NM_003072.5 (MANE Select); coding-DNA position 960, C replaced by T.
Protein change: p.Pro320=; no amino-acid change (proline 320 retained).
Molecular consequence: synonymous variant. On other transcripts: non-coding transcript variant (1).
Genome position (GRCh38, 1-based): chr19:10,987,766, C>T. VCF-style: chr19-10987766-C-T. GRCh37 (hg19) VCF-style: chr19-11098442-C-T.
Other names: c.960C>T, p.Pro320= (NM_001128844.3, NM_001128845.2, NM_001128846.2 and 5 more transcripts); c.960C>T (NM_001128849.2).
Identifiers: ClinVar variation 220832 (VCV000220832.22), dbSNP rs531365419, ClinGen allele CA348231.